The following is an entry in ClinVar:

NM_006904.7(PRKDC):c.220A>C (p.Asn74His)

Gene: PRKDC (protein kinase, DNA-activated, catalytic subunit; minus strand). Cytogenetic location: 8q11.21.
Variant type: single nucleotide variant.
Coding change: c.220A>C on transcript NM_006904.7 (MANE Select); coding-DNA position 220, A replaced by C.
Protein change: p.Asn74His; replaces asparagine 74 with histidine.
Molecular consequence: missense variant.
Genome position (GRCh38, 1-based): chr8:47,957,366, T>G on the plus strand (A>C on the coding strand, the complement: PRKDC is on the minus strand). VCF-style: chr8-47957366-T-G. GRCh37 (hg19) VCF-style: chr8-48869926-T-G.
Other names: c.220A>C, p.Asn74His (NM_001081640.2); short protein forms N74H.
Identifiers: ClinVar variation 3425308 (VCV003425308.1).

ClinVar aggregate classification (germline): Uncertain significance (1 of 4 stars; one submission).

Submission:

Ambry Genetics
Classification: Uncertain significance. Last evaluated: 2024-08-24. Review status: criteria provided, single submitter. Criteria: Ambry Variant Classification Scheme 2023. Collection method: clinical testing. Allele origin: germline.
Comment: The p.N74H variant (also known as c.220A>C), located in coding exon 2 of the PRKDC gene, results from an A to C substitution at nucleotide position 220. The asparagine at codon 74 is replaced by histidine, an amino acid with similar properties. This amino acid position is conserved. In addition, this alteration is predicted to be tolerated by in silico analysis. Based on the available evidence, the clinical significance of this variant remains unclear.